The following is an entry in ClinVar:

NM_007294.4(BRCA1):c.2007G>A (p.Met669Ile)

Gene: BRCA1 (BRCA1 DNA repair associated; minus strand). Cytogenetic location: 17q21.31.
Variant type: single nucleotide variant.
Coding change: c.2007G>A on transcript NM_007294.4 (MANE Select); coding-DNA position 2007, G replaced by A.
Protein change: p.Met669Ile; replaces methionine 669 with isoleucine.
Molecular consequence: missense variant. On other transcripts: intron variant (137).
Genome position (GRCh38, 1-based): chr17:43,093,524, C>T on the plus strand (G>A on the coding strand, the complement: BRCA1 is on the minus strand). VCF-style: chr17-43093524-C-T. GRCh37 (hg19) VCF-style: chr17-41245541-C-T.
Other names: c.661+1220G>A (NM_001408445.1, NM_001408432.1, NM_001408450.1 and 6 more transcripts); c.667+2322G>A (NM_001408431.1, NM_001408424.1, NM_001408421.1); c.784+1220G>A (NM_001408407.1, NM_001408402.1, NM_001408473.1 and 13 more transcripts); c.664+1220G>A (NM_001408443.1, NM_001408439.1, NM_001408425.1 and 12 more transcripts); c.670+2322G>A (NM_001408419.1, NM_001408422.1, NM_001408418.1 and 2 more transcripts); c.787+1220G>A (NM_001408403.1, NM_001407983.1, NM_001407975.1 and 19 more transcripts); c.790+1217G>A (NM_001408406.1); c.646+1220G>A (NM_001408456.1, NM_001408410.1, NM_001408458.1 and 11 more transcripts); and 40 more; short protein forms M373I, M501I, M541I, M542I, M557I, M558I, M580I, M581I.
Identifiers: ClinVar variation 4800852 (VCV004800852.2).

ClinVar aggregate classification (germline): Uncertain significance. Review status: criteria provided, multiple submitters, no conflicts (2 of 4 stars). 2 submissions from 2 submitters: Uncertain significance (2). Last evaluated 2026-03-30.

Conditions:
Hereditary breast ovarian cancer syndrome. Also called: Hereditary breast and ovarian cancer syndrome (HBOC); Hereditary breast and ovarian cancer syndrome; Breast and ovarian cancer; Hereditary breast and/or ovarian cancer syndrome; Hereditary breast and ovarian cancer; BRCA1- and BRCA2-Associated Hereditary Breast and Ovarian Cancer. Identifiers: Orphanet 145, MedGen C0677776, MeSH D061325, MONDO:0003582. Disease mechanism: loss of function.
Hereditary cancer-predisposing syndrome. Also called: Hereditary neoplastic syndrome; Neoplastic Syndromes, Hereditary; Tumor predisposition; Hereditary Cancer Syndrome. Identifiers: Orphanet 140162, MedGen C0027672, MeSH D009386, MONDO:0015356.

Submissions (2):

Ambry Genetics
Classification: Uncertain significance for Hereditary cancer-predisposing syndrome. Last evaluated: 2026-03-30. Review status: criteria provided, single submitter. Criteria: Ambry Variant Classification Scheme 2023. Collection method: clinical testing. Allele origin: germline.
Comment: The p.M669I variant (also known as c.2007G>A), located in coding exon 9 of the BRCA1 gene, results from a G to A substitution at nucleotide position 2007. The methionine at codon 669 is replaced by isoleucine, an amino acid with highly similar properties. This amino acid position is conserved. In addition, this alteration is predicted to be tolerated by in silico analysis. Based on the available evidence, the clinical significance of this variant remains unclear.

Labcorp Genetics (formerly Invitae), Labcorp
Classification: Uncertain significance for Hereditary breast ovarian cancer syndrome. Last evaluated: 2025-02-26. Review status: criteria provided, single submitter. Criteria: Invitae Variant Classification Sherloc (09022015). Collection method: clinical testing. Allele origin: germline.
Comment: This sequence change replaces methionine, which is neutral and non-polar, with isoleucine, which is neutral and non-polar, at codon 669 of the BRCA1 protein (p.Met669Ile). This variant is not present in population databases (gnomAD no frequency). This variant has not been reported in the literature in individuals affected with BRCA1-related conditions. Invitae Evidence Modeling of protein sequence and biophysical properties (such as structural, functional, and spatial information, amino acid conservation, physicochemical variation, residue mobility, and thermodynamic stability) indicates that this missense variant is not expected to disrupt BRCA1 protein function with a negative predictive value of 80%. In summary, the available evidence is currently insufficient to determine the role of this variant in disease. Therefore, it has been classified as a Variant of Uncertain Significance.